The following is an entry in ClinVar:

NM_031935.3(HMCN1):c.13885G>A (p.Ala4629Thr)

Gene: HMCN1 (hemicentin 1; plus strand). Cytogenetic location: 1q31.1.
Variant type: single nucleotide variant.
Coding change: c.13885G>A on transcript NM_031935.3 (MANE Select); coding-DNA position 13885, G replaced by A.
Protein change: p.Ala4629Thr; replaces alanine 4629 with threonine.
Molecular consequence: missense variant.
Genome position (GRCh38, 1-based): chr1:186,137,933, G>A. VCF-style: chr1-186137933-G-A. GRCh37 (hg19) VCF-style: chr1-186107065-G-A.
Other names: c.13885G>A (NM_031935.2); short protein forms A4629T.
Identifiers: ClinVar variation 1923900 (VCV001923900.6), dbSNP rs774423771, ClinGen allele CA1294785.

ClinVar aggregate classification (germline): Uncertain significance. Review status: criteria provided, multiple submitters, no conflicts (2 of 4 stars). 2 submissions from 2 submitters: Uncertain significance (2). Last evaluated 2025-08-25.

Allele frequency attached by ClinVar (database versions not stated): gnomAD 0.00003; TOPMed 0.00004; ExAC 0.00005; gnomAD exomes 0.00005.
gnomAD v4.1: 77 of 1,613,910 alleles (0.0048%); highest among the groups gnomAD compares: Non-Finnish European, 0.0064%; 1 homozygote.

Submissions (2):

Ambry Genetics
Classification: Uncertain significance. Last evaluated: 2025-08-25. Review status: criteria provided, single submitter. Criteria: Ambry Variant Classification Scheme 2023. Collection method: clinical testing. Allele origin: germline.

Labcorp Genetics (formerly Invitae), Labcorp
Classification: Uncertain significance. Last evaluated: 2023-08-02. Review status: criteria provided, single submitter. Criteria: Invitae Variant Classification Sherloc (09022015). Collection method: clinical testing. Allele origin: germline.
Comment: ClinVar contains an entry for this variant (Variation ID: 1923900). An algorithm developed to predict the effect of missense changes on protein structure and function (PolyPhen-2) suggests that this variant is likely to be tolerated. In summary, the available evidence is currently insufficient to determine the role of this variant in disease. Therefore, it has been classified as a Variant of Uncertain Significance. This variant has not been reported in the literature in individuals affected with HMCN1-related conditions. This sequence change replaces alanine, which is neutral and non-polar, with threonine, which is neutral and polar, at codon 4629 of the HMCN1 protein (p.Ala4629Thr). This variant is present in population databases (rs774423771, gnomAD 0.009%).